The following is an entry in ClinVar:

NM_206937.2(LIG4):c.1512_1513del (p.Arg505fs)

Gene: LIG4 (DNA ligase 4; minus strand). Cytogenetic location: 13q33.3.
Variant type: Microsatellite.
Coding change: c.1512_1513del on transcript NM_206937.2 (MANE Select); coding-DNA positions 1512 to 1513, 2 bases deleted (TC; older notation c.1512_1513delTC).
Protein change: p.Arg505fs; shifts the reading frame from arginine 505.
Molecular consequence: frameshift variant.
Genome position (GRCh38, 1-based): chr13:108,209,756-108,209,757, GA deleted on the plus strand (TC on the coding strand, the reverse complement: LIG4 is on the minus strand); deleting any 2 consecutive bases within chr13:108,209,756-108,209,764 gives the same sequence; the c. name uses the placement nearest the transcript's 3' end. VCF-style (leftmost placement, unchanged base first): chr13-108209755-CGA-C. GRCh37 (hg19) VCF-style: chr13-108862103-CGA-C.
Other names: c.1512_1513delTC (NM_002312.3); c.1512_1513del, p.Arg505fs (NM_001098268.2, NM_001352598.2, NM_001352599.2 and 6 more transcripts); c.1311_1312del, p.Arg438fs (NM_001330595.2); c.1512_1513del (NM_206937.1); c.1548_1549del, p.Arg517fs (NM_001352604.2); short protein forms R438fs, R505fs, R517fs.
Identifiers: ClinVar variation 433156 (VCV000433156.21), dbSNP rs759838407, ClinGen allele CA256181280.

ClinVar aggregate classification (germline): Pathogenic. Review status: criteria provided, multiple submitters, no conflicts (2 of 4 stars). 8 submissions from 8 submitters: Pathogenic (8). Last evaluated 2025-11-23.

Conditions:
prenatal LIG4 syndrome with aqueductal stenosis.
Multiple myeloma (MM). Also called: Plasma cell myeloma; Multiple myeloma, somatic. Identifiers: Orphanet 29073, Orphanet 85443, MedGen C0026764, MeSH D009101, MONDO:0009693, OMIM 254500, HP:0006775.
DNA ligase IV deficiency. Identifiers: Orphanet 99812, MedGen C1847827, MONDO:0011686, OMIM 606593.

Submissions (8):

Labcorp Genetics (formerly Invitae), Labcorp
Classification: Pathogenic for DNA ligase IV deficiency. Last evaluated: 2025-11-23. Review status: criteria provided, single submitter. Criteria: Invitae Variant Classification Sherloc (09022015). Collection method: clinical testing. Allele origin: germline.
Comment: This sequence change creates a premature translational stop signal (p.Arg505Cysfs*12) in the LIG4 gene. While this is not anticipated to result in nonsense mediated decay, it is expected to disrupt the last 407 amino acid(s) of the LIG4 protein. This variant is not present in population databases (gnomAD no frequency). This premature translational stop signal has been observed in individual(s) with microcephalic primordial dwarfism (PMID: 24123394). ClinVar contains an entry for this variant (Variation ID: 433156). This variant disrupts a region of the LIG4 protein in which other variant(s) (p.Arg814*) have been determined to be pathogenic (PMID: 11779494, 16088910, 25239263, 27063650, 27612988). This suggests that this is a clinically significant region of the protein, and that variants that disrupt it are likely to be disease-causing. For these reasons, this variant has been classified as Pathogenic.

Victorian Clinical Genetics Services, Murdoch Childrens Research Institute
Classification: Pathogenic for DNA ligase IV deficiency. Last evaluated: 2025-08-28. Review status: criteria provided, single submitter. Criteria: ACMG Guidelines, 2015. Collection method: clinical testing. Allele origin: germline. Affected: yes.
Comment: This variant is classified as Pathogenic. Evidence in support of pathogenic classification: Variant is predicted to result in a truncated protein (premature termination codon is NOT located at least 54 nucleotides upstream of the final exon-exon junction) with at least 1/3 of the protein sequence affected; Variant is present in gnomAD <0.01 (v4: 20 heterozygote(s), 0 homozygote(s)); This variant has strong previous evidence of pathogenicity in unrelated individuals. This variant has been classified as pathogenic by multiple clinical laboratories in ClinVar. Additionally, it has been reported in at least one compound heterozygous individual with a clinical diagnosis of microcephalic primordial dwarfism (PMID: 24123394); Other protein-truncating variant(s) comparable to the one identified in this case have very strong previous evidence for pathogenicity (ClinVar). Additional information: This variant is heterozygous; This gene is associated with autosomal recessive disease. There is emerging evidence that specific missense variants may be associated with autosomal dominant disease (PMID: 37004747); Loss of function is a known mechanism of disease in this gene and is associated with LIG4 syndrome (MIM#606593); Variants in this gene are known to have variable expressivity. At least one family has been reported with three affected siblings showing varying cellular and molecular phenotypes (PMID: 27063650).

Fulgent Genetics
Classification: Pathogenic for Multiple myeloma; DNA ligase IV deficiency. Last evaluated: 2024-04-11. Review status: criteria provided, single submitter. Criteria: ACMG Guidelines, 2015. Collection method: clinical testing. Allele origin: germline.

Women's Health and Genetics/Laboratory Corporation of America, LabCorp
Classification: Pathogenic for DNA ligase IV deficiency. Last evaluated: 2024-04-02. Review status: criteria provided, single submitter. Criteria: LabCorp Variant Classification Summary - May 2015. Collection method: clinical testing. Allele origin: germline.
Comment: Variant summary: LIG4 c.1512_1513delTC (p.Arg505CysfsX12) results in a premature termination codon in the last exon (exon 2), predicted to cause a truncation of the encoded protein. Although, nonsense mediated decay is not expected to occur, multiple downstream loss of function variants have been classified as pathogenic in ClinVar. The variant was absent in 251388 control chromosomes. c.1512_1513delTC has been reported in the literature in at least one compound heterozygous individual affected with LIG4 Syndrome (e.g. Murray_2014). To our knowledge, no experimental evidence demonstrating an impact on protein function has been reported. The following publication has been ascertained in the context of this evaluation (PMID: 24123394). ClinVar contains an entry for this variant (Variation ID: 433156). Based on the evidence outlined above, the variant was classified as pathogenic.

Molecular Genetics laboratory, Necker Hospital
Classification: Pathogenic for prenatal LIG4 syndrome with aqueductal stenosis. Last evaluated: 2023-12-28. Review status: criteria provided, single submitter. Criteria: ACMG Guidelines, 2015. Collection method: clinical testing. Allele origin: maternal. Affected: yes. Observed: 4 variant alleles. Clinical features observed: Aqueductal stenosis (HP:0002410), Ventriculomegaly (HP:0002119), Fetal growth restriction (HP:0001511), Microcephaly (HP:0000252).

Duke University Health System Sequencing Clinic, Duke University Health System
Classification: Pathogenic for DNA ligase IV deficiency. Last evaluated: 2023-04-20. Review status: criteria provided, single submitter. Criteria: ACMG Guidelines, 2015. Collection method: research. Allele origin: paternal. Affected: yes.

Molecular Diagnostics Lab, Nemours Children's Health, Delaware
Classification: Pathogenic. Last evaluated: 2016-01-06. Review status: criteria provided, single submitter. Criteria: ACMG Guidelines, 2015. Collection method: clinical testing. Allele origin: unknown. Affected: yes. Observed: 1 heterozygote.

Juno Genomics, Hangzhou Juno Genomics, Inc
Classification: Pathogenic for DNA ligase IV deficiency. Review status: criteria provided, single submitter. Criteria: ACMG Guidelines, 2015. Collection method: clinical testing. Allele origin: germline.
Comment: Absent from controls (or at extremely low frequency if recessive) in Genome Aggregation Database.;Null variant in a gene where loss of function (LOF) is a known mechanism of disease.;For recessive disorders, detected in trans with a pathogenic variant.

Literature cited by the submitters: PubMed 24123394 (cited by 4 submitters); PubMed 11779494 (cited by Labcorp Genetics (formerly Invitae), Labcorp); PubMed 16088910 (cited by Labcorp Genetics (formerly Invitae), Labcorp); PubMed 25239263 (cited by Labcorp Genetics (formerly Invitae), Labcorp); PubMed 27063650 (cited by Labcorp Genetics (formerly Invitae), Labcorp and Victorian Clinical Genetics Services, Murdoch Childrens Research Institute); PubMed 27612988 (cited by Labcorp Genetics (formerly Invitae), Labcorp); PubMed 37004747 (cited by Victorian Clinical Genetics Services, Murdoch Childrens Research Institute).